The following is an entry in ClinVar:

ClinVar aggregate classification (germline): Uncertain significance (1 of 4 stars; one submission).

Conditions:
Hereditary cancer-predisposing syndrome. Also called: Neoplastic Syndromes, Hereditary; Tumor predisposition; Hereditary neoplastic syndrome; Hereditary Cancer Syndrome. Identifiers: Orphanet 140162, MedGen C0027672, MeSH D009386, MONDO:0015356.

Submission:

Ambry Genetics
Classification: Uncertain significance for Hereditary cancer-predisposing syndrome. Last evaluated: 2024-02-17. Review status: criteria provided, single submitter. Criteria: Ambry Variant Classification Scheme 2023. Collection method: clinical testing. Allele origin: germline.
Comment: The p.P1140S variant (also known as c.3418C>T), located in coding exon 15 of the APC gene, results from a C to T substitution at nucleotide position 3418. The proline at codon 1140 is replaced by serine, an amino acid with similar properties. This amino acid position is conserved. In addition, in silico predictors for this gene do not accurately predict pathogenicity. Based on the available evidence, the clinical significance of this alteration remains unclear.

NM_000038.6(APC):c.3418C>T (p.Pro1140Ser)

Gene: APC (APC regulator of Wnt signaling pathway; plus strand). Cytogenetic location: 5q22.2.
Variant type: single nucleotide variant.
Coding change: c.3418C>T on transcript NM_000038.6 (MANE Select); coding-DNA position 3418, C replaced by T.
Protein change: p.Pro1140Ser; replaces proline 1140 with serine.
Molecular consequence: missense variant. On other transcripts: non-coding transcript variant (2).
Genome position (GRCh38, 1-based): chr5:112,839,012, C>T. VCF-style: chr5-112839012-C-T. GRCh37 (hg19) VCF-style: chr5-112174709-C-T.
Other names: c.3397C>T, p.Pro1133Ser (NM_001407451.1); c.3388C>T, p.Pro1130Ser (NM_001407452.1); c.3241C>T, p.Pro1081Ser (NM_001407453.1, NM_001354901.2); c.3169C>T, p.Pro1057Ser (NM_001407454.1, NM_001407455.1, NM_001407456.1 and 1 more transcripts); c.3115C>T, p.Pro1039Ser (NM_001407458.1, NM_001407459.1, NM_001407460.1 and 1 more transcripts); c.3031C>T, p.Pro1011Ser (NM_001407467.1, NM_001407469.1); c.2569C>T, p.Pro857Ser (NM_001407470.1, NM_001354906.2); c.2266C>T, p.Pro756Ser (NM_001407471.1, NM_001407472.1); and 11 more; short protein forms P1011S, P1014S, P1039S, P1049S, P1057S, P1081S, P1099S, P1112S.
Identifiers: ClinVar variation 3229472 (VCV003229472.1), dbSNP rs1580635231, ClinGen allele CA16028827.